The following is an entry in ClinVar:

ClinVar aggregate classification (germline): Pathogenic (1 of 4 stars; one submission).

Conditions:
Duchenne muscular dystrophy (DMD). Also called: MUSCULAR DYSTROPHY, PSEUDOHYPERTROPHIC PROGRESSIVE, DUCHENNE TYPE; Duchenne Muscular Dystrophy (DMD). Identifiers: Orphanet 98896, MedGen C0013264, MONDO:0010679, OMIM 310200.

Submission:

Labcorp Genetics (formerly Invitae), Labcorp
Classification: Pathogenic for Duchenne muscular dystrophy. Last evaluated: 2021-05-30. Review status: criteria provided, single submitter. Criteria: Invitae Variant Classification Sherloc (09022015). Collection method: clinical testing. Allele origin: germline.
Comment: This variant has been observed in individual(s) with Duchenne muscular dystrophy (PMID: 20098710). For these reasons, this variant has been classified as Pathogenic. This variant is a gross deletion of the genomic region encompassing exon(s) 8-18 of the DMD gene. This deletion is out-of-frame, and is expected to create a premature translational stop signal and result in an absent or disrupted protein product. Loss-of-function variants in DMD are known to be pathogenic (PMID: 16770791, 25007885).

Literature cited by the submitters: PubMed 20098710; PubMed 16770791; PubMed 25007885.

NC_000023.10:g.(?_32536105)_(32717430_?)del

Gene: DMD (dystrophin; minus strand). Cytogenetic location: Xp21.1.
Variant type: Deletion.
Identifiers: ClinVar variation 1415260 (VCV001415260.7).